The following is an entry in ClinVar:

NM_020893.6(CCDC180):c.4543G>A (p.Glu1515Lys)

Genes: CCDC180 (coiled-coil domain containing 180; plus strand), SUGT1P4-STRA6LP-CCDC180 (SUGT1P4-STRA6LP-CCDC180 readthrough; plus strand). Cytogenetic location: 9q22.33.
Variant type: single nucleotide variant.
Coding change: c.4543G>A on transcript NM_020893.6 (MANE Select); coding-DNA position 4543, G replaced by A.
Protein change: p.Glu1515Lys; replaces glutamic acid 1515 with lysine.
Molecular consequence: missense variant. On other transcripts: non-coding transcript variant (3).
Genome position (GRCh38, 1-based): chr9:97,371,649, G>A. VCF-style: chr9-97371649-G-A. GRCh37 (hg19) VCF-style: chr9-100133931-G-A.
Other names: c.4675G>A (NM_020893.2); short protein forms E1515K.
Identifiers: ClinVar variation 3898212 (VCV003898212.8).

ClinVar aggregate classification (germline): Conflicting classifications of pathogenicity. Review status: criteria provided, conflicting classifications (1 of 4 stars). 2 submissions from 2 submitters: Uncertain significance (1); Likely benign (1). Last evaluated 2025-08-05.

gnomAD v4.1: 818 of 1,608,890 alleles (0.051%); highest among the groups gnomAD compares: African/African-American, 0.96%; 3 homozygotes.

Submissions (2):

Ambry Genetics
Classification: Uncertain significance. Last evaluated: 2025-08-05. Review status: criteria provided, single submitter. Criteria: Ambry Variant Classification Scheme 2023. Collection method: clinical testing. Allele origin: germline.

CeGaT Center for Human Genetics Tuebingen
Classification: Likely benign. Last evaluated: 2025-04-01. Review status: criteria provided, single submitter. Criteria: CeGaT Center For Human Genetics Tuebingen Variant Classification Criteria Version 2. Collection method: clinical testing. Allele origin: germline. Affected: yes. Observed: 1 variant allele.
Comment: CCDC180: BP4